The following is an entry in ClinVar:

ClinVar aggregate classification (germline): Likely pathogenic (1 of 4 stars; one submission).

Conditions:
Phenylketonuria (PKU). Also called: Phenylketonurias; FOLLING DISEASE; Phenylketonuria (PKU); OLIGOPHRENIA PHENYLPYRUVICA. Identifiers: Orphanet 716, MedGen C0031485, MONDO:0009861, OMIM 261600. Disease mechanism: loss of function.

Submission:

Myriad Genetics, Inc.
Classification: Likely pathogenic for Phenylketonuria. Last evaluated: 2022-04-23. Review status: criteria provided, single submitter. Criteria: Myriad Women's Health Autosomal Recessive and X-Linked Classification Criteria (2021). Collection method: clinical testing. Allele origin: unknown.
Comment: NM_000277.1(PAH):c.640G>T(E214*) is expected to be pathogenic in the context of phenylalanine hydroxylase deficiency. This variant is predicted to lead to an abnormal or absent protein product due to the creation of a premature termination codon in PAH, a gene where loss-of-function variants are known to be pathogenic. Please note: this variant was assessed in the context of healthy population screening.

NM_000277.3(PAH):c.640G>T (p.Glu214Ter)

Gene: PAH (phenylalanine hydroxylase; minus strand). Cytogenetic location: 12q23.2.
Variant type: single nucleotide variant.
Coding change: c.640G>T on transcript NM_000277.3 (MANE Select); coding-DNA position 640, G replaced by T.
Protein change: p.Glu214Ter; replaces glutamic acid 214 with a stop codon.
Molecular consequence: nonsense.
Genome position (GRCh38, 1-based): chr12:102,855,202, C>A on the plus strand (G>T on the coding strand, the complement: PAH is on the minus strand). VCF-style: chr12-102855202-C-A. GRCh37 (hg19) VCF-style: chr12-103248980-C-A.
Other names: c.640G>T, p.Glu214Ter (NM_001354304.2); short protein forms E214*.
Identifiers: ClinVar variation 1725947 (VCV001725947.2), dbSNP rs2499626026, ClinGen allele CA386296657.